The following is an entry in ClinVar:

ClinVar aggregate classification (germline): Uncertain significance (1 of 4 stars; one submission).

gnomAD v4.1: 1 of 1,614,202 alleles (0.000062%); highest among the groups gnomAD compares: Non-Finnish European, 0.000085%; no homozygotes.

Submission:

Labcorp Genetics (formerly Invitae), Labcorp
Classification: Uncertain significance. Last evaluated: 2024-08-09. Review status: criteria provided, single submitter. Criteria: Invitae Variant Classification Sherloc (09022015). Collection method: clinical testing. Allele origin: germline.
Comment: This sequence change replaces alanine, which is neutral and non-polar, with serine, which is neutral and polar, at codon 736 of the HK1 protein (p.Ala736Ser). This variant is not present in population databases (gnomAD no frequency). This variant has not been reported in the literature in individuals affected with HK1-related conditions. Advanced modeling of protein sequence and biophysical properties (such as structural, functional, and spatial information, amino acid conservation, physicochemical variation, residue mobility, and thermodynamic stability) performed at Invitae indicates that this missense variant is not expected to disrupt HK1 protein function with a negative predictive value of 80%. In summary, the available evidence is currently insufficient to determine the role of this variant in disease. Therefore, it has been classified as a Variant of Uncertain Significance.

NM_000188.3(HK1):c.2206G>T (p.Ala736Ser)

Gene: HK1 (hexokinase 1; plus strand). Cytogenetic location: 10q22.1.
Variant type: single nucleotide variant.
Coding change: c.2206G>T on transcript NM_000188.3 (MANE Select); coding-DNA position 2206, G replaced by T.
Protein change: p.Ala736Ser; replaces alanine 736 with serine.
Molecular consequence: missense variant.
Genome position (GRCh38, 1-based): chr10:69,392,295, G>T. VCF-style: chr10-69392295-G-T. GRCh37 (hg19) VCF-style: chr10-71152051-G-T.
Other names: c.2218G>T, p.Ala740Ser (NM_001322364.2, NM_001358263.1, NM_033497.3 and 1 more transcripts); c.2311G>T, p.Ala771Ser (NM_001322365.2); c.2122G>T, p.Ala708Ser (NM_001322366.1); c.2110G>T, p.Ala704Ser (NM_001322367.1); c.2203G>T, p.Ala735Ser (NM_033496.3); c.2170G>T, p.Ala724Ser (NM_033500.2); short protein forms A724S, A735S, A771S, A736S, A708S, A704S, A740S.
Identifiers: ClinVar variation 3681818 (VCV003681818.2).
Genomic context (GRCh38, chr10:69,392,295, plus strand): 5'-GGGTGTCTGGATGATATCAGGACACACTACGACAGACTGGTGGACGAATATTCCCTAAAT[G>T]CTGGGAAACAAAGGTAACCCCGCCTGGTGGAGAGGACACTCACAGTCAGGGTGGGGGCAG-3'
Protein context (NP_000179.2, residues 726-746): DRLVDEYSLN[Ala736Ser]GKQRYEKMIS